The following is an entry in ClinVar:

NM_000388.4(CASR):c.2437A>G (p.Ile813Val)

Gene: CASR (calcium sensing receptor; plus strand). Cytogenetic location: 3q21.1.
Variant type: single nucleotide variant.
Coding change: c.2437A>G on transcript NM_000388.4 (MANE Select); coding-DNA position 2437, A replaced by G.
Protein change: p.Ile813Val; replaces isoleucine 813 with valine.
Molecular consequence: missense variant.
Genome position (GRCh38, 1-based): chr3:122,284,391, A>G. VCF-style: chr3-122284391-A-G. GRCh37 (hg19) VCF-style: chr3-122003238-A-G.
Other names: c.2467A>G, p.Ile823Val (NM_001178065.2); c.2467A>G (NM_001178065.1); short protein forms I813V, I823V.
Identifiers: ClinVar variation 410333 (VCV000410333.15), dbSNP rs746541034, ClinGen allele CA2569824.
Genomic context (GRCh38, chr3:122,284,391, plus strand): 5'-AAGTCCCGGAAGCTGCCGGAGAACTTCAATGAAGCCAAGTTCATCACCTTCAGCATGCTC[A>G]TCTTCTTCATCGTCTGGATCTCCTTCATTCCAGCCTATGCCAGCACCTATGGCAAGTTTG-3'
Protein context (NP_000379.3, residues 803-823): EAKFITFSML[Ile813Val]FFIVWISFIP

ClinVar aggregate classification (germline): Conflicting classifications of pathogenicity. Review status: criteria provided, conflicting classifications (1 of 4 stars). 4 submissions from 4 submitters: Uncertain significance (2); Likely benign (1). 1 of the submissions does not count toward it. Last evaluated 2025-07-13.

Conditions:
Autosomal dominant hypocalcemia 1 (HYPOC1). Also called: HYPOCALCEMIA, FAMILIAL. Identifiers: MedGen C3715128, MONDO:0011013, OMIM 601198.
Familial hypocalciuric hypercalcemia (FHH). Also called: Familial benign hypercalcemia. Identifiers: Orphanet 405, MedGen C1809471, MONDO:0018458.
Neonatal severe primary hyperparathyroidism. Identifiers: Orphanet 417, MedGen C1832615, MONDO:0009397, OMIM 239200.
Epilepsy, idiopathic generalized, susceptibility to, 8. Identifiers: MedGen C2752062, MONDO:0013032, OMIM 612899.
Familial hypocalciuric hypercalcemia 1. Also called: Hypercalcemia, familial benign type 1. Identifiers: Orphanet 405, Orphanet 93372, MedGen C0342637, MONDO:0007791, OMIM 145980.
Nephrolithiasis/nephrocalcinosis. Identifiers: MedGen CN580796.
CASR-related disorder. Also called: CASR-related condition.

Allele frequency attached by ClinVar (database versions not stated): gnomAD 0.00001; gnomAD exomes 0.00001 and 0.00002; TOPMed 0.00001; ExAC 0.00002.
gnomAD v4.1: 23 of 1,613,888 alleles (0.0014%); highest among the groups gnomAD compares: Non-Finnish European, 0.0019%; no homozygotes.

Submissions (4):

Labcorp Genetics (formerly Invitae), Labcorp
Classification: Likely benign for Familial hypocalciuric hypercalcemia; Autosomal dominant hypocalcemia 1. Last evaluated: 2025-07-13. Review status: criteria provided, single submitter. Criteria: Invitae Variant Classification Sherloc (09022015). Collection method: clinical testing. Allele origin: germline.

Ambry Genetics
Classification: Uncertain significance for Nephrolithiasis/nephrocalcinosis. Last evaluated: 2024-05-24. Review status: criteria provided, single submitter. Criteria: Ambry Variant Classification Scheme 2023. Collection method: clinical testing. Allele origin: germline.
Comment: The p.I813V variant (also known as c.2437A>G), located in coding exon 6 of the CASR gene, results from an A to G substitution at nucleotide position 2437. The isoleucine at codon 813 is replaced by valine, an amino acid with highly similar properties. This amino acid position is highly conserved in available vertebrate species. In addition, the in silico prediction for this alteration is inconclusive. In addition, the evidence for the gene-disease relationship is limited for pancreatitis and cancer predisposition; therefore, the clinical significance of this variant for CASR-related pancreatitis and cancer predisposition is unclear. Based on the available evidence, the clinical significance of this variant remains unclear.

Fulgent Genetics
Classification: Uncertain significance for Familial hypocalciuric hypercalcemia 1; Neonatal severe primary hyperparathyroidism; Autosomal dominant hypocalcemia 1; Epilepsy, idiopathic generalized, susceptibility to, 8. Last evaluated: 2021-08-03. Review status: criteria provided, single submitter. Criteria: ACMG Guidelines, 2015. Collection method: clinical testing. Allele origin: unknown.

PreventionGenetics, part of Exact Sciences
Classification: Uncertain significance for CASR-related condition. Last evaluated: 2024-06-21. Review status: no assertion criteria provided. Collection method: clinical testing. Allele origin: germline. Not counted in ClinVar's aggregate classification.
Comment: The CASR c.2467A>G variant is predicted to result in the amino acid substitution p.Ile823Val. To our knowledge, this variant has not been reported in the literature. This variant is reported in 0.0039% of alleles in individuals of European (Non-Finnish) descent in gnomAD. At this time, the clinical significance of this variant is uncertain due to the absence of conclusive functional and genetic evidence.